The following is an entry in ClinVar:

NM_007286.6(SYNPO):c.2515C>T (p.Arg839Trp)

Gene: SYNPO (synaptopodin; plus strand). Cytogenetic location: 5q33.1.
Variant type: single nucleotide variant.
Coding change: c.2515C>T on transcript NM_007286.6 (MANE Select); coding-DNA position 2515, C replaced by T.
Protein change: p.Arg839Trp; replaces arginine 839 with tryptophan.
Molecular consequence: missense variant.
Genome position (GRCh38, 1-based): chr5:150,656,890, C>T. VCF-style: chr5-150656890-C-T. GRCh37 (hg19) VCF-style: chr5-150036452-C-T.
Other names: short protein forms R839W.
Identifiers: ClinVar variation 2788926 (VCV002788926.3), dbSNP rs1561663585, ClinGen allele CA361771300.

ClinVar aggregate classification (germline): Uncertain significance (1 of 4 stars; one submission).

Submission:

Labcorp Genetics (formerly Invitae), Labcorp
Classification: Uncertain significance. Last evaluated: 2023-06-20. Review status: criteria provided, single submitter. Criteria: Invitae Variant Classification Sherloc (09022015). Collection method: clinical testing. Allele origin: germline.
Comment: In summary, the available evidence is currently insufficient to determine the role of this variant in disease. Therefore, it has been classified as a Variant of Uncertain Significance. This sequence change replaces arginine, which is basic and polar, with tryptophan, which is neutral and slightly polar, at codon 839 of the SYNPO protein (p.Arg839Trp). This variant is not present in population databases (gnomAD no frequency). This variant has not been reported in the literature in individuals affected with SYNPO-related conditions. An algorithm developed to predict the effect of missense changes on protein structure and function (PolyPhen-2) suggests that this variant is likely to be disruptive.